The following is an entry in ClinVar:

ClinVar aggregate classification (germline): Uncertain significance (1 of 4 stars; one submission).

Submission:

Labcorp Genetics (formerly Invitae), Labcorp
Classification: Uncertain significance. Last evaluated: 2026-01-07. Review status: criteria provided, single submitter. Criteria: Invitae Variant Classification Sherloc (09022015). Collection method: clinical testing. Allele origin: germline.
Comment: This sequence change falls in intron 3 of the LTBP4 gene. It does not directly change the encoded amino acid sequence of the LTBP4 protein. This variant is not present in population databases (gnomAD no frequency). This variant has not been reported in the literature in individuals affected with LTBP4-related conditions. Experimental studies and prediction algorithms are not available or were not evaluated, and the effect of this variant on mRNA splicing is currently unknown. In summary, the available evidence is currently insufficient to determine the role of this variant in disease. Therefore, it has been classified as a Variant of Uncertain Significance.

NM_003573.2(LTBP4):c.231-19_231-18insTTTTTTTTTTTTTTTTTTTTNNNNNNNNNNCCTGACCTCGTGATCCGCCCGCCTCGGCCTCCCAAAGTGCTGGGACTACAGGCGTGAGCCACCGCGCCCGGCCGACAGCAGCTTTT

Gene: LTBP4 (latent transforming growth factor beta binding protein 4; plus strand). Cytogenetic location: 19q13.2.
Variant type: Insertion.
Coding change: c.231-19_231-18insTTTTTTTTTTTTTTTTTTTTNNNNNNNNNNCCTGACCTCGTGATCCGCCCGCCTCGGCCTCCCAAAGTGCTGGGACTACAGGCGTGAGCCACCGCGCCCGGCCGACAGCAGCTTTT on transcript NM_003573.2; 19 bases into the intron before coding-DNA position 231 through 18 bases into the intron before coding-DNA position 231, TTTTTTTTTTTTTTTTTTTTNNNNNNNNNNCCTGACCTCGTGATCCGCCCGCCTCGGCCTCCCAAAGTGCTGGGACTACAGGCGTGAGCCACCGCGCCCGGCCGACAGCAGCTTTT inserted.
Molecular consequence: intron variant.
Genome position: GRCh38: chr19:40,600,049-40,600,050. GRCh37 (hg19): chr19:41,105,955-41,105,956.
Other names: c.342-19_342-18insTTTTTTTTTTTTTTTTTTTTNNNNNNNNNNCCTGACCTCGTGATCCGCCCGCCTCGGCCTCCCAAAGTGCTGGGACTACAGGCGTGAGCCACCGCGCCCGGCCGACAGCAGCTTTT (NM_001042544.1).
Identifiers: ClinVar variation 4734872 (VCV004734872.1).